The following is an entry in ClinVar:

ClinVar aggregate classification (germline): Uncertain significance (1 of 4 stars; one submission).

Allele frequency attached by ClinVar (database versions not stated): gnomAD 0.00001; gnomAD exomes 0.00001; ExAC 0.00002.
gnomAD v4.1: 10 of 1,210,508 alleles (0.00083%); highest among the groups gnomAD compares: South Asian, 0.0088%; no homozygotes.

Submission:

Labcorp Genetics (formerly Invitae), Labcorp
Classification: Uncertain significance. Last evaluated: 2022-05-20. Review status: criteria provided, single submitter. Criteria: Invitae Variant Classification Sherloc (09022015). Collection method: clinical testing. Allele origin: germline.
Comment: This sequence change replaces arginine, which is basic and polar, with cysteine, which is neutral and slightly polar, at codon 1243 of the NEXMIF protein (p.Arg1243Cys). The frequency data for this variant in the population databases is considered unreliable, as metrics indicate poor data quality at this position in the gnomAD database. In summary, the available evidence is currently insufficient to determine the role of this variant in disease. Therefore, it has been classified as a Variant of Uncertain Significance. Algorithms developed to predict the effect of missense changes on protein structure and function output the following: SIFT: "Deleterious"; PolyPhen-2: "Benign"; Align-GVGD: "Class C15". The cysteine amino acid residue is found in multiple mammalian species, which suggests that this missense change does not adversely affect protein function. This variant has not been reported in the literature in individuals affected with NEXMIF-related conditions.

NM_001008537.3(NEXMIF):c.3727C>T (p.Arg1243Cys)

Gene: NEXMIF (neurite extension and migration factor; minus strand). Cytogenetic location: Xq13.3.
Variant type: single nucleotide variant.
Coding change: c.3727C>T on transcript NM_001008537.3 (MANE Select); coding-DNA position 3727, C replaced by T.
Protein change: p.Arg1243Cys; replaces arginine 1243 with cysteine.
Molecular consequence: missense variant.
Genome position (GRCh38, 1-based): chrX:74,740,830, G>A on the plus strand (C>T on the coding strand, the complement: NEXMIF is on the minus strand). VCF-style: chrX-74740830-G-A. GRCh37 (hg19) VCF-style: chrX-73960665-G-A.
Other names: short protein forms R1243C.
Identifiers: ClinVar variation 1489657 (VCV001489657.6), dbSNP rs753744023, ClinGen allele CA10454916.